The following is an entry in ClinVar:

NM_138927.4(SON):c.655A>G (p.Thr219Ala)

Gene: SON (SON DNA and RNA binding protein; plus strand). Cytogenetic location: 21q22.11.
Variant type: single nucleotide variant.
Coding change: c.655A>G on transcript NM_138927.4 (MANE Select); coding-DNA position 655, A replaced by G.
Protein change: p.Thr219Ala; replaces threonine 219 with alanine.
Molecular consequence: missense variant. On other transcripts: non-coding transcript variant (1), intron variant (1).
Genome position (GRCh38, 1-based): chr21:33,549,886, A>G. VCF-style: chr21-33549886-A-G. GRCh37 (hg19) VCF-style: chr21-34922192-A-G.
Other names: c.655A>G, p.Thr219Ala (NM_001291411.2, NM_001412133.1, NM_032195.3 and 2 more transcripts); c.244+3507A>G (NM_001291412.3); short protein forms T219A.
Identifiers: ClinVar variation 1947073 (VCV001947073.5), dbSNP rs376784152, ClinGen allele CA10008727.
Genomic context (GRCh38, chr21:33,549,886, plus strand): 5'-CCACACATCTTAGAAACTCTGAAGCCAGCTACAAAAACTGCAGAACTGTCAGTTGTATCT[A>G]CATCAGTAATCTCAGAGCAGTCAGAGCAGTCTGTGGCAGTAATGCCAGAACCATCCATGA-3'
Protein context (NP_620305.3, residues 209-229): TKTAELSVVS[Thr219Ala]SVISEQSEQS

ClinVar aggregate classification (germline): Uncertain significance (1 of 4 stars; one submission).

Allele frequency attached by ClinVar (database versions not stated): gnomAD exomes below 0.00001; ExAC 0.00001; gnomAD 0.00001; TOPMed 0.00003; ESP Exome Variant Server 0.00008.
gnomAD v4.1: 4 of 1,614,136 alleles (0.00025%); highest among the groups gnomAD compares: Admixed American, 0.0017%; no homozygotes.

Submission:

Labcorp Genetics (formerly Invitae), Labcorp
Classification: Uncertain significance. Last evaluated: 2022-03-12. Review status: criteria provided, single submitter. Criteria: Invitae Variant Classification Sherloc (09022015). Collection method: clinical testing. Allele origin: germline.
Comment: In summary, the available evidence is currently insufficient to determine the role of this variant in disease. Therefore, it has been classified as a Variant of Uncertain Significance. Algorithms developed to predict the effect of missense changes on protein structure and function output the following: SIFT: "Deleterious"; PolyPhen-2: "Possibly Damaging"; Align-GVGD: "Class C0". The alanine amino acid residue is found in multiple mammalian species, which suggests that this missense change does not adversely affect protein function. This variant has not been reported in the literature in individuals affected with SON-related conditions. This variant is present in population databases (rs376784152, gnomAD 0.007%). This sequence change replaces threonine, which is neutral and polar, with alanine, which is neutral and non-polar, at codon 219 of the SON protein (p.Thr219Ala).